The following is an entry in ClinVar:

NM_020975.6(RET):c.3167G>A (p.Trp1056Ter)

Gene: RET (ret proto-oncogene; plus strand). Cytogenetic location: 10q11.21.
Variant type: single nucleotide variant.
Coding change: c.3167G>A on transcript NM_020975.6 (MANE Select); coding-DNA position 3167, G replaced by A.
Protein change: p.Trp1056Ter; replaces tryptophan 1056 with a stop codon.
Molecular consequence: nonsense.
Genome position (GRCh38, 1-based): chr10:43,126,702, G>A. VCF-style: chr10-43126702-G-A. GRCh37 (hg19) VCF-style: chr10-43622150-G-A.
Other names: c.3167G>A, p.Trp1056Ter (NM_000323.2, NM_001406743.1, NM_001406744.1 and 2 more transcripts); c.2405G>A, p.Trp802Ter (NM_001355216.2); c.3038G>A, p.Trp1013Ter (NM_001406761.1, NM_001406762.1, NM_001406764.1); c.3032G>A, p.Trp1011Ter (NM_001406763.1, NM_001406765.1); c.2879G>A, p.Trp960Ter (NM_001406766.1, NM_001406767.1, NM_001406770.1); c.2903G>A, p.Trp968Ter (NM_001406768.1); c.2771G>A, p.Trp924Ter (NM_001406769.1, NM_001406772.1); c.2729G>A, p.Trp910Ter (NM_001406771.1, NM_001406773.1); and 10 more; short protein forms W1056*, W802*, W573*, W621*, W714*, W910*, W1013*, W726*.
Identifiers: ClinVar variation 486334 (VCV000486334.14), dbSNP rs1425454966, ClinGen allele CA376558522.

ClinVar aggregate classification (germline): Uncertain significance. Review status: criteria provided, multiple submitters, no conflicts (2 of 4 stars). 3 submissions from 3 submitters: Uncertain significance (3). Last evaluated 2026-02-04.

Conditions:
Multiple endocrine neoplasia, type 2 (MEN2). Identifiers: Orphanet 653, MedGen C4048306, MONDO:0019003. Disease mechanism: gain of function.
Hereditary cancer-predisposing syndrome. Also called: Tumor predisposition; Hereditary Cancer Syndrome; Neoplastic Syndromes, Hereditary; Hereditary neoplastic syndrome. Identifiers: Orphanet 140162, MedGen C0027672, MeSH D009386, MONDO:0015356.

Submissions (3):

Ambry Genetics
Classification: Uncertain significance for Hereditary cancer-predisposing syndrome. Last evaluated: 2026-02-04. Review status: criteria provided, single submitter. Criteria: Ambry Variant Classification Scheme 2023. Collection method: clinical testing. Allele origin: germline.
Comment: The p.W1056* variant (also known as c.3167G>A), located in coding exon 19 of the RET gene, results from a G to A substitution at nucleotide position 3167. This changes the amino acid from a tryptophan to a stop codon within coding exon 19. This variant occurs at the 3' terminus of the gene, is not expected to trigger nonsense-mediated mRNAdecay, and impacts the last 5.2% of the protein. The exact functional effect of this variant is unknown. Based on the available evidence, the clinical significance of this variant remains unclear.

Blueprint Genetics
Classification: Uncertain significance. Last evaluated: 2023-07-03. Review status: criteria provided, single submitter. Criteria: ACMG Guidelines, 2015. Collection method: clinical testing. Allele origin: germline.

Labcorp Genetics (formerly Invitae), Labcorp
Classification: Uncertain significance for Multiple endocrine neoplasia, type 2. Last evaluated: 2022-02-18. Review status: criteria provided, single submitter. Criteria: Invitae Variant Classification Sherloc (09022015). Collection method: clinical testing. Allele origin: germline.
Comment: In summary, the available evidence is currently insufficient to determine the role of this variant in disease. Therefore, it has been classified as a Variant of Uncertain Significance. Algorithms developed to predict the effect of sequence changes on RNA splicing suggest that this variant may disrupt the consensus splice site. ClinVar contains an entry for this variant (Variation ID: 486334). This variant has not been reported in the literature in individuals affected with RET-related conditions. This variant is not present in population databases (gnomAD no frequency). This sequence change creates a premature translational stop signal (p.Trp1056*) in the RET gene. While this is not anticipated to result in nonsense mediated decay, it is expected to disrupt the last 59 amino acid(s) of the RET protein.

Literature cited by the submitters: PubMed 21490379 (cited by Ambry Genetics).